The following is an entry in ClinVar:

NM_001005361.3(DNM2):c.770A>G (p.Lys257Arg)

Gene: DNM2 (dynamin 2; plus strand). Cytogenetic location: 19p13.2.
Variant type: single nucleotide variant.
Coding change: c.770A>G on transcript NM_001005361.3 (MANE Select); coding-DNA position 770, A replaced by G.
Protein change: p.Lys257Arg; replaces lysine 257 with arginine.
Molecular consequence: missense variant.
Genome position (GRCh38, 1-based): chr19:10,783,041, A>G. VCF-style: chr19-10783041-A-G. GRCh37 (hg19) VCF-style: chr19-10893717-A-G.
Other names: c.770A>G, p.Lys257Arg (NM_001005360.3, NM_001005362.3, NM_001190716.2 and 1 more transcripts); short protein forms K257R.
Identifiers: ClinVar variation 1349731 (VCV001349731.8), dbSNP rs1568298074, ClinGen allele CA404045268.

ClinVar aggregate classification (germline): Uncertain significance (1 of 4 stars; one submission).

Conditions:
Charcot-Marie-Tooth disease dominant intermediate B (CMTDIB). Also called: Charcot-Marie-Tooth disease dominant intermediate 1; CMT DI1; Charcot-Marie-Tooth disease dominant intermediate I; CHARCOT-MARIE-TOOTH NEUROPATHY, DOMINANT INTERMEDIATE B. Identifiers: Orphanet 100044, Orphanet 228179, MedGen C1847902, MONDO:0011674, OMIM 606482.

Allele frequency attached by ClinVar (database versions not stated): gnomAD exomes below 0.00001.

Submission:

Labcorp Genetics (formerly Invitae), Labcorp
Classification: Uncertain significance for Charcot-Marie-Tooth disease dominant intermediate B. Last evaluated: 2020-11-21. Review status: criteria provided, single submitter. Criteria: Invitae Variant Classification Sherloc (09022015). Collection method: clinical testing. Allele origin: germline.
Comment: In summary, the available evidence is currently insufficient to determine the role of this variant in disease. Therefore, it has been classified as a Variant of Uncertain Significance. Algorithms developed to predict the effect of missense changes on protein structure and function (SIFT, PolyPhen-2, Align-GVGD) all suggest that this variant is likely to be disruptive, but these predictions have not been confirmed by published functional studies and their clinical significance is uncertain. This variant has not been reported in the literature in individuals with DNM2-related conditions. This variant is not present in population databases (ExAC no frequency). This sequence change replaces lysine with arginine at codon 257 of the DNM2 protein (p.Lys257Arg). The lysine residue is highly conserved and there is a small physicochemical difference between lysine and arginine.